The following is an entry in ClinVar:

NM_004646.4(NPHS1):c.2783C>A (p.Ser928Ter)

Gene: NPHS1 (NPHS1 adhesion molecule, nephrin; minus strand). Cytogenetic location: 19q13.12.
Variant type: single nucleotide variant.
Coding change: c.2783C>A on transcript NM_004646.4 (MANE Select); coding-DNA position 2783, C replaced by A.
Protein change: p.Ser928Ter; replaces serine 928 with a stop codon.
Molecular consequence: nonsense.
Genome position (GRCh38, 1-based): chr19:35,841,747, G>T on the plus strand (C>A on the coding strand, the complement: NPHS1 is on the minus strand). VCF-style: chr19-35841747-G-T. GRCh37 (hg19) VCF-style: chr19-36332649-G-T.
Other names: short protein forms S928*.
Identifiers: ClinVar variation 56487 (VCV000056487.10), dbSNP rs386833926, ClinGen allele CA250209.

ClinVar aggregate classification (germline): Pathogenic/Likely pathogenic. Review status: criteria provided, multiple submitters, no conflicts (2 of 4 stars). 5 submissions from 5 submitters: Pathogenic (2); Likely pathogenic (1). 2 of the submissions do not count toward it. Last evaluated 2024-05-08.

Conditions:
Finnish congenital nephrotic syndrome (NPHS1). Also called: NEPHROTIC SYNDROME, TYPE 1. Identifiers: Orphanet 839, MedGen C0403399, MONDO:0009732, OMIM 256300.

Submissions (5):

Fulgent Genetics
Classification: Pathogenic for Finnish congenital nephrotic syndrome. Last evaluated: 2024-05-08. Review status: criteria provided, single submitter. Criteria: ACMG Guidelines, 2015. Collection method: clinical testing. Allele origin: germline.

Labcorp Genetics (formerly Invitae), Labcorp
Classification: Pathogenic. Last evaluated: 2022-08-19. Review status: criteria provided, single submitter. Criteria: Invitae Variant Classification Sherloc (09022015). Collection method: clinical testing. Allele origin: germline.
Comment: This sequence change creates a premature translational stop signal (p.Ser928*) in the NPHS1 gene. It is expected to result in an absent or disrupted protein product. Loss-of-function variants in NPHS1 are known to be pathogenic (PMID: 11317351, 11854170, 12039988). This variant is not present in population databases (gnomAD no frequency). This premature translational stop signal has been observed in individual(s) with nephrotic syndrome (PMID: 22009864). ClinVar contains an entry for this variant (Variation ID: 56487). For these reasons, this variant has been classified as Pathogenic.

Women's Health and Genetics/Laboratory Corporation of America, LabCorp
Classification: Likely pathogenic for Finnish congenital nephrotic syndrome. Last evaluated: 2022-02-21. Review status: criteria provided, single submitter. Criteria: LabCorp Variant Classification Summary - May 2015. Collection method: clinical testing. Allele origin: germline.
Comment: Variant summary: NPHS1 c.2783C>A (p.Ser928X) results in a premature termination codon, predicted to cause a truncation of the encoded protein or absence of the protein due to nonsense mediated decay, which are commonly known mechanisms for disease. Truncations downstream of this position have been classified as pathogenic by our laboratory. The variant was absent in 251472 control chromosomes (gnomAD). c.2783C>A has been reported in the literature in an unaffected father with two affected children with Nephrotic Syndrome, Type 1. However, the authors say the variant was absent in the proband (Wu_2011). This report does not provide unequivocal conclusions about association of the variant with Nephrotic Syndrome, Type 1. To our knowledge, no experimental evidence demonstrating an impact on protein function has been reported. One clinical diagnostic laboratory has submitted clinical-significance assessments for this variant to ClinVar after 2014 and classified the variant as likely pathogenic. Based on the evidence outlined above, the variant was classified as likely pathogenic.

Counsyl
Classification: Likely pathogenic for Finnish congenital nephrotic syndrome. Last evaluated: 2016-02-24. Review status: no assertion criteria provided. Collection method: clinical testing. Allele origin: unknown. Not counted in ClinVar's aggregate classification.

Juha Muilu Group; Institute for Molecular Medicine Finland (FIMM)
Classification: Likely pathogenic for Finnish congenital nephrotic syndrome. Review status: no assertion criteria provided. Collection method: not provided. Allele origin: unknown. Not counted in ClinVar's aggregate classification.
Comment: FinDis database variant: This variant was not found or characterized by our laboratory, data were collected from public sources: see reference
ClinVar note: Converted during submission from probable-pathogenic to Likely pathogenic.

Literature cited by the submitters: PubMed 11317351 (cited by Labcorp Genetics (formerly Invitae), Labcorp); PubMed 11854170 (cited by Labcorp Genetics (formerly Invitae), Labcorp); PubMed 12039988 (cited by Labcorp Genetics (formerly Invitae), Labcorp); PubMed 22009864 (cited by 3 submitters).